The following is an entry in ClinVar:

ClinVar aggregate classification (germline): Conflicting classifications of pathogenicity. Review status: criteria provided, conflicting classifications (1 of 4 stars). 9 submissions from 9 submitters: Uncertain significance (7); Likely benign (1). 1 of the submissions does not count toward it. Last evaluated 2026-01-20.

Conditions:
Portal hypertension, noncirrhotic, 1 (NCPH1). Identifiers: MedGen CN305369, MONDO:8000013, OMIM 617068.
Mitochondrial DNA depletion syndrome 3 (hepatocerebral type). Also called: Mitochondrial DNA depletion syndrome, hepatocerebral form due to DGUOK deficiency; MITOCHONDRIAL DNA DEPLETION SYNDROME 3; Deoxyguanosine Kinase Deficiency. Identifiers: Orphanet 279934, MedGen CN074093, MONDO:0009636, OMIM 251880.
Progressive external ophthalmoplegia with mitochondrial DNA deletions, autosomal recessive 4. Also called: PROGRESSIVE EXTERNAL OPHTHALMOPLEGIA, AUTOSOMAL RECESSIVE 4; Adult-onset multiple mitochondrial DNA deletion syndrome due to DGUOK deficiency. Identifiers: Orphanet 329314, MedGen C4310733, MONDO:0014899, OMIM 617070.
DGUOK-related disorder. Also called: DGUOK-related condition.
Inborn genetic diseases. Identifiers: MedGen C0950123, MeSH D030342.
Mitochondrial disease. Also called: Mitochondrial disorder; Mitochondrial disorders. Identifiers: Orphanet 68380, MedGen C0751651, MeSH D028361, MONDO:0044970.

Allele frequency attached by ClinVar (database versions not stated): 1000 Genomes Project 30x 0.00234; ESP Exome Variant Server 0.00008; gnomAD 0.00044 and 0.00048; TOPMed 0.00047; ExAC 0.00077; 1000 Genomes Project 0.00200.
gnomAD v4.1: 573 of 1,614,010 alleles (0.036%); highest among the groups gnomAD compares: Admixed American, 0.41%; 4 homozygotes.

Submissions (9):

Labcorp Genetics (formerly Invitae), Labcorp
Classification: Likely benign. Last evaluated: 2026-01-20. Review status: criteria provided, single submitter. Criteria: Invitae Variant Classification Sherloc (09022015). Collection method: clinical testing. Allele origin: germline.

Women's Health and Genetics/Laboratory Corporation of America, LabCorp
Classification: Uncertain significance. Last evaluated: 2025-11-11. Review status: criteria provided, single submitter. Criteria: LabCorp Variant Classification Summary - May 2015. Collection method: clinical testing. Allele origin: germline.
Comment: Variant summary: DGUOK c.211C>G (p.Pro71Ala) results in a non-conservative amino acid change located in the Deoxynucleoside kinase domain (IPR031314) of the encoded protein sequence. Algorithms developed to predict the effect of missense changes on protein structure and function all suggest that this variant is likely to be disruptive. The variant allele was found at a frequency of 0.00088 in 251464 control chromosomes, predominantly at a frequency of 0.0046 within the Latino subpopulation in the gnomAD database, including 1 homozygotes. The observed variant frequency within Latino control individuals in the gnomAD database exceeds the estimated maximal expected allele frequency for disease-causing variants in DGUOK. c.211C>G has been reported in at least one homozygous individual affected with Mitochondrial DNA depletion syndrome, 3 (Srivastava_2014) These data indicate that the variant may be associated with disease. To our knowledge, no experimental evidence demonstrating an impact on protein function has been reported. The following publication have been ascertained in the context of this evaluation (PMID: 25131622). ClinVar contains an entry for this variant (Variation ID: 208752). Based on the evidence outlined above, the variant was classified as VUS-possibly benign.

Mayo Clinic Laboratories, Mayo Clinic
Classification: Uncertain significance. Last evaluated: 2025-05-15. Review status: criteria provided, single submitter. Criteria: ACMG Guidelines, 2015. Collection method: clinical testing. Allele origin: germline. Observed: 2 variant alleles.
Comment: BS1, PP3_moderate

Fulgent Genetics
Classification: Uncertain significance for Mitochondrial DNA depletion syndrome 3 (hepatocerebral type); Portal hypertension, noncirrhotic, 1; Progressive external ophthalmoplegia with mitochondrial DNA deletions, autosomal recessive 4. Last evaluated: 2022-03-01. Review status: criteria provided, single submitter. Criteria: ACMG Guidelines, 2015. Collection method: clinical testing. Allele origin: unknown.

Department of Pathology and Laboratory Medicine, Sinai Health System
Classification: Uncertain significance for mitochondrial disease. Last evaluated: 2022-02-08. Review status: criteria provided, single submitter. Criteria: ACMG Guidelines, 2015. Collection method: research. Allele origin: germline.

Eurofins Ntd Llc (ga)
Classification: Uncertain significance. Last evaluated: 2018-06-07. Review status: criteria provided, single submitter. Criteria: EGL ClinVar v180209 classification definitions. Collection method: clinical testing. Allele origin: germline. Observed: 5 variant alleles, 5 heterozygotes.

GeneDx
Classification: Uncertain significance. Last evaluated: 2017-10-19. Review status: criteria provided, single submitter. Criteria: GeneDx Variant Classification (06012015). Collection method: clinical testing. Allele origin: germline. Affected: yes.
Comment: The P71A variant in the DGUOK gene has been reported in the homozygous state in an individual with intellectual disability and spastic quadriplegia, but the publication does not comment on the presence or absence of liver disease (Srivastava et al., 2014). The P71A variant is observed in 65/22564 (0.56%) alleles, although not in the homozygous state, from individuals of Latino background in the ExAC dataset (Lek et al., 2016). The P71A variant is a semi-conservative amino acid substitution, which may impact secondary protein structure as these residues differ in some properties. This substitution occurs at a position that is conserved across species. In silico analysis predicts this variant is probably damaging to the protein structure/function. We interpret P71A as a variant of uncertain significance.

Ambry Genetics
Classification: Uncertain significance for Inborn genetic diseases. Last evaluated: 2014-08-07. Review status: criteria provided, single submitter. Criteria: Ambry Autosomal Dominant and X-Linked criteria (10/2015). Collection method: clinical testing. Allele origin: germline. Observed: 1 variant allele.
Comment: There is insufficient or conflicting evidence for classification of this alteration.

PreventionGenetics, part of Exact Sciences
Classification: Likely benign for DGUOK-related condition. Last evaluated: 2021-12-23. Review status: no assertion criteria provided. Collection method: clinical testing. Allele origin: germline. Not counted in ClinVar's aggregate classification.
Comment: This variant is classified as likely benign based on ACMG/AMP sequence variant interpretation guidelines (Richards et al. 2015 PMID: 25741868, with internal and published modifications).

Literature cited by the submitters: PubMed 25131622 (cited by 3 submitters).

NM_080916.3(DGUOK):c.211C>G (p.Pro71Ala)

Gene: DGUOK (deoxyguanosine kinase; plus strand). Cytogenetic location: 2p13.1.
Variant type: single nucleotide variant.
Coding change: c.211C>G on transcript NM_080916.3 (MANE Select); coding-DNA position 211, C replaced by G.
Protein change: p.Pro71Ala; replaces proline 71 with alanine.
Molecular consequence: missense variant. On other transcripts: intron variant (4).
Genome position (GRCh38, 1-based): chr2:73,938,978, C>G. VCF-style: chr2-73938978-C-G. GRCh37 (hg19) VCF-style: chr2-74166105-C-G.
Other names: p.Pro71Ala; c.211C>G, p.Pro71Ala (NM_001318859.2, NM_080918.3); c.-37+6295C>G (NM_001318861.2, NM_001318862.2); c.-36-7741C>G (NM_001318860.2, NM_001318863.2); short protein forms P71A.
Identifiers: ClinVar variation 208752 (VCV000208752.28), dbSNP rs184770596, ClinGen allele CA204823.
Genomic context (GRCh38, chr2:73,938,978, plus strand): 5'-AAGTCCACGTTTGTGAAGTTACTCACGAAAACTTACCCAGAATGGCACGTAGCTACAGAA[C>G]CTGTAGCAACATGGCAGAATATCCAGGCTGCTGGCACCCAAAAAGTAAGTTTTTAGTTGT-3'
Protein context (NP_550438.1, residues 61-81): TYPEWHVATE[Pro71Ala]VATWQNIQAA